The following is an entry in ClinVar:

NM_003049.4(SLC10A1):c.15C>T (p.Asn5=)

Gene: SLC10A1 (solute carrier family 10 member 1; minus strand). Cytogenetic location: 14q24.1.
Variant type: single nucleotide variant.
Coding change: c.15C>T on transcript NM_003049.4 (MANE Select); coding-DNA position 15, C replaced by T.
Protein change: p.Asn5=; no amino-acid change (asparagine 5 retained).
Molecular consequence: synonymous variant.
Genome position (GRCh38, 1-based): chr14:69,797,141, G>A on the plus strand (C>T on the coding strand, the complement: SLC10A1 is on the minus strand). VCF-style: chr14-69797141-G-A. GRCh37 (hg19) VCF-style: chr14-70263858-G-A.
Identifiers: ClinVar variation 4986965 (VCV004986965.1).

ClinVar aggregate classification (germline): Likely benign (1 of 4 stars; one submission).

Conditions:
SLC10A1-related disorder. Also called: SLC10A1-related condition.

gnomAD v4.1: 30 of 1,609,334 alleles (0.0019%); highest among the groups gnomAD compares: East Asian, 0.0067%; no homozygotes.

Submission:

PreventionGenetics, part of Exact Sciences
Classification: Likely benign for SLC10A1-related condition. Last evaluated: 2026-02-17. Review status: criteria provided, single submitter. Criteria: ACMG Guidelines, 2015. Collection method: clinical testing. Allele origin: germline.
Comment: This variant is classified as likely benign based on ACMG/AMP sequence variant interpretation guidelines (Richards et al. 2015 PMID: 25741868, with internal and published modifications).